The following is an entry in ClinVar:

NM_198578.4(LRRK2):c.1726G>T (p.Ala576Ser)

Gene: LRRK2 (leucine rich repeat kinase 2; plus strand). Cytogenetic location: 12q12.
Variant type: single nucleotide variant.
Coding change: c.1726G>T on transcript NM_198578.4 (MANE Select); coding-DNA position 1726, G replaced by T.
Protein change: p.Ala576Ser; replaces alanine 576 with serine.
Molecular consequence: missense variant.
Genome position (GRCh38, 1-based): chr12:40,274,652, G>T. VCF-style: chr12-40274652-G-T. GRCh37 (hg19) VCF-style: chr12-40668454-G-T.
Other names: short protein forms A576S.
Identifiers: ClinVar variation 1778869 (VCV001778869.2), dbSNP rs1555180067, ClinGen allele CA384403021.
Genomic context (GRCh38, chr12:40,274,652, plus strand): 5'-AATCCTGGGATTCAGAAATGTGGATTAAAAGTAATTTCTTCTATTGTACATTTTCCTGAT[G>T]CATTAGAGATGTTATCCCTGGAAGGTGCTATGGATTCAGTGCTTCACACACTGCAGATGT-3'
Protein context (NP_940980.4, residues 566-586): VISSIVHFPD[Ala576Ser]LEMLSLEGAM

ClinVar aggregate classification (germline): Uncertain significance (1 of 4 stars; one submission).

Conditions:
Inborn genetic diseases. Identifiers: MedGen C0950123, MeSH D030342.

Allele frequency attached by ClinVar (database versions not stated): TOPMed 0.00001.

Submission:

Ambry Genetics
Classification: Uncertain significance for Inborn genetic diseases. Last evaluated: 2022-08-07. Review status: criteria provided, single submitter. Criteria: Ambry Variant Classification Scheme 2023. Collection method: clinical testing. Allele origin: germline.
Comment: The p.A576S variant (also known as c.1726G>T), located in coding exon 15 of the LRRK2 gene, results from a G to T substitution at nucleotide position 1726. The alanine at codon 576 is replaced by serine, an amino acid with similar properties. This amino acid position is conserved. In addition, this alteration is predicted to be tolerated by in silico analysis. Since supporting evidence is limited at this time, the clinical significance of this alteration remains unclear.